The following is an entry in ClinVar:

NM_001458.5(FLNC):c.7999ATG[2] (p.Met2669del)

Genes: FLNC-AS1 (FLNC antisense RNA 1; minus strand), FLNC (filamin C; plus strand). Cytogenetic location: 7q32.1.
Variant type: Microsatellite.
Coding change: c.7999ATG[2] on transcript NM_001458.5 (MANE Select); two copies in a row of the 3-base unit ATG starting at c.7999; the reference has three copies in a row; one copy, 3 bases deleted.
Protein change: p.Met2669del; deletes methionine 2669.
Molecular consequence: inframe deletion.
Genome position (GRCh38, 1-based): chr7:128,858,350-128,858,352, ATG deleted; deleting any 3 consecutive bases within chr7:128,858,344-128,858,352 gives the same sequence; the position shown is the placement nearest the transcript's 3' end. VCF-style (leftmost placement, unchanged base first): chr7-128858343-CATG-C. GRCh37 (hg19) VCF-style: chr7-128498397-CATG-C.
Other names: c.7900ATG[2], p.Met2636del (NM_001127487.2); short protein forms M2636del, M2669del.
Identifiers: ClinVar variation 1041005 (VCV001041005.9), dbSNP rs1809158348, ClinGen allele CA1742552073.
Genomic context (GRCh38, chr7:128,858,343, plus strand): 5'-GTCACAGTAGGGGACTCCCTGGTGTGAGCCTGTCCCTCTGCCTCCCTCTCCAGGCACCAA[CATG>C]ATGATGGTGGGCGTGCACGGCCCCAAGACCCCCTGTGAGGAGGTGTACGTGAAGCACATG-3'

ClinVar aggregate classification (germline): Uncertain significance (1 of 4 stars; one submission).

Conditions:
Myofibrillar myopathy 5. Also called: FILAMINOPATHY, AUTOSOMAL DOMINANT; Filaminopathy (type). Identifiers: Orphanet 171445, MedGen C1836050, MONDO:0012289, OMIM 609524.
Distal myopathy with posterior leg and anterior hand involvement. Also called: WILLIAMS DISTAL MYOPATHY. Identifiers: Orphanet 63273, MedGen C3279722, MONDO:0013550, OMIM 614065.
Hypertrophic cardiomyopathy 26. Also called: Cardiomyopathy, familial hypertrophic, 26. Identifiers: Orphanet 75249, MedGen C4310749, MONDO:0014883, OMIM 617047.

Submission:

Labcorp Genetics (formerly Invitae), Labcorp
Classification: Uncertain significance for Distal myopathy with posterior leg and anterior hand involvement; Myofibrillar myopathy 5; Hypertrophic cardiomyopathy 26. Last evaluated: 2023-10-22. Review status: criteria provided, single submitter. Criteria: Invitae Variant Classification Sherloc (09022015). Collection method: clinical testing. Allele origin: germline.
Comment: This variant, c.8005_8007del, results in the deletion of 1 amino acid(s) of the FLNC protein (p.Met2669del), but otherwise preserves the integrity of the reading frame. This variant is not present in population databases (gnomAD no frequency). This variant has not been reported in the literature in individuals affected with FLNC-related conditions. Experimental studies and prediction algorithms are not available or were not evaluated, and the functional significance of this variant is currently unknown. In summary, the available evidence is currently insufficient to determine the role of this variant in disease. Therefore, it has been classified as a Variant of Uncertain Significance.